The following is an entry in ClinVar:

NM_001010874.5(TECRL):c.725C>G (p.Pro242Arg)

Gene: TECRL (trans-2,3-enoyl-CoA reductase like; minus strand). Cytogenetic location: 4q13.1.
Variant type: single nucleotide variant.
Coding change: c.725C>G on transcript NM_001010874.5 (MANE Select); coding-DNA position 725, C replaced by G.
Protein change: p.Pro242Arg; replaces proline 242 with arginine.
Molecular consequence: missense variant.
Genome position (GRCh38, 1-based): chr4:64,305,171, G>C on the plus strand (C>G on the coding strand, the complement: TECRL is on the minus strand). VCF-style: chr4-64305171-G-C. GRCh37 (hg19) VCF-style: chr4-65170889-G-C.
Other names: c.725C>G, p.Pro242Arg (NM_001363796.1); short protein forms P242R.
Identifiers: ClinVar variation 4865417 (VCV004865417.1).

ClinVar aggregate classification (germline): Uncertain significance (1 of 4 stars; one submission).

Conditions:
Cardiovascular phenotype. Identifiers: MedGen CN230736.

Submission:

Ambry Genetics
Classification: Uncertain significance for Cardiovascular phenotype. Last evaluated: 2026-05-28. Review status: criteria provided, single submitter. Criteria: Ambry Variant Classification Scheme 2023. Collection method: clinical testing. Allele origin: germline.
Comment: The p.P242R variant (also known as c.725C>G), located in coding exon 7 of the TECRL gene, results from a C to G substitution at nucleotide position 725. The proline at codon 242 is replaced by arginine, an amino acid with dissimilar properties. This amino acid position is conserved. In addition, the in silico prediction for this alteration is inconclusive. Based on the available evidence, the clinical significance of this variant remains unclear.